The following is an entry in ClinVar:

ClinVar aggregate classification (germline): Uncertain significance. Review status: criteria provided, multiple submitters, no conflicts (2 of 4 stars). 2 submissions from 2 submitters: Uncertain significance (2). Last evaluated 2022-06-27.

Conditions:
Saldino-Mainzer syndrome (SRTD9). Also called: short-rib thoracic dysplasia 9 with or without polydactyly; SHORT-RIB THORACIC DYSPLASIA 9 WITHOUT POLYDACTYLY; CONORENAL SYNDROME; Renal dysplasia, retinal pigmentary dystrophy, cerebellar ataxia and skeletal dysplasia. Identifiers: Orphanet 140969, MedGen C1849437, MONDO:0009964, OMIM 266920.

Allele frequency attached by ClinVar (database versions not stated): gnomAD exomes below 0.00001.

Submissions (2):

Labcorp Genetics (formerly Invitae), Labcorp
Classification: Uncertain significance for Saldino-Mainzer syndrome. Last evaluated: 2022-06-27. Review status: criteria provided, single submitter. Criteria: Invitae Variant Classification Sherloc (09022015). Collection method: clinical testing. Allele origin: germline.
Comment: This sequence change replaces histidine, which is basic and polar, with tyrosine, which is neutral and polar, at codon 102 of the IFT140 protein (p.His102Tyr). This variant is not present in population databases (gnomAD no frequency). This missense change has been observed in individual(s) with clinical features of IFT140-related conditions (Invitae). ClinVar contains an entry for this variant (Variation ID: 813921). Algorithms developed to predict the effect of missense changes on protein structure and function are either unavailable or do not agree on the potential impact of this missense change (SIFT: "Tolerated"; PolyPhen-2: "Probably Damaging"; Align-GVGD: "Class C0"). In summary, the available evidence is currently insufficient to determine the role of this variant in disease. Therefore, it has been classified as a Variant of Uncertain Significance.

Broad Center for Mendelian Genomics, Broad Institute of MIT and Harvard
Classification: Uncertain significance for Saldino-Mainzer syndrome. Last evaluated: 2018-12-03. Review status: criteria provided, single submitter. Criteria: ACMG Guidelines, 2015. Collection method: research. Allele origin: germline. Inheritance: Autosomal recessive inheritance. Affected: yes.
Comment: The p.His102Tyr variant in IFT140 has not been previously reported in individuals with Short-Rib Thoracic Dysplasia with or without Polydactyly and was absent from large population studies. Computational prediction tools and conservation analyses suggest that this variant may impact the protein, though this information is not predictive enough to determine pathogenicity. In summary, the clinical significance of the p.His102Tyr variant is uncertain. ACMG/AMP Criteria applied: PM2, PP3 (Richards 2015).

NM_014714.4(IFT140):c.304C>T (p.His102Tyr)

Genes: IFT140 (intraflagellar transport 140; minus strand), LOC105371046 (uncharacterized LOC105371046; plus strand). Cytogenetic location: 16p13.3.
Variant type: single nucleotide variant.
Coding change: c.304C>T on transcript NM_014714.4 (MANE Select); coding-DNA position 304, C replaced by T.
Protein change: p.His102Tyr; replaces histidine 102 with tyrosine.
Molecular consequence: missense variant.
Genome position (GRCh38, 1-based): chr16:1,602,435, G>A on the plus strand (C>T on the coding strand, the complement: IFT140 is on the minus strand). VCF-style: chr16-1602435-G-A. GRCh37 (hg19) VCF-style: chr16-1652436-G-A.
Other names: short protein forms H102Y.
Identifiers: ClinVar variation 813921 (VCV000813921.8), dbSNP rs1596461586, ClinGen allele CA394223055.